The following is an entry in ClinVar:

NM_053025.4(MYLK):c.3898G>T (p.Ala1300Ser)

Gene: MYLK (myosin light chain kinase; minus strand). Cytogenetic location: 3q21.1.
Variant type: single nucleotide variant.
Coding change: c.3898G>T on transcript NM_053025.4 (MANE Select); coding-DNA position 3898, G replaced by T.
Protein change: p.Ala1300Ser; replaces alanine 1300 with serine.
Molecular consequence: missense variant.
Genome position (GRCh38, 1-based): chr3:123,664,192, C>A on the plus strand (G>T on the coding strand, the complement: MYLK is on the minus strand). VCF-style: chr3-123664192-C-A. GRCh37 (hg19) VCF-style: chr3-123383039-C-A.
Other names: c.3370G>T, p.Ala1124Ser (NM_001321309.2); c.3691G>T, p.Ala1231Ser (NM_053026.4, NM_053028.4); c.3898G>T, p.Ala1300Ser (NM_053027.4); short protein forms A1124S, A1231S, A1300S.
Identifiers: ClinVar variation 3390379 (VCV003390379.1).
Genomic context (GRCh38, chr3:123,664,192, plus strand): 5'-GCCTGCTGCCCAGCTTGTTCTCCACCAGCAGTGTGTAGCAGCCGCAGTGCTCCTGGCGCG[C>A]GGCCAGGATGGTGAGCTTGCTGCCATTCTCGCTGTTCTCCACCTTCATGTGCTCGCTTTC-3'
Protein context (NP_444253.3, residues 1290-1310): ENGSKLTILA[Ala1300Ser]RQEHCGCYTL

ClinVar aggregate classification (germline): Uncertain significance (1 of 4 stars; one submission).

gnomAD v4.1: 1 of 1,614,154 alleles (0.000062%); highest among the groups gnomAD compares: Admixed American, 0.0017%; no homozygotes.

Submission:

GeneDx
Classification: Uncertain significance. Last evaluated: 2024-06-12. Review status: criteria provided, single submitter. Criteria: GeneDx Variant Classification Process June 2021. Collection method: clinical testing. Allele origin: germline. Affected: yes.
Comment: Has not been previously published as pathogenic or benign to our knowledge; Not observed at significant frequency in large population cohorts (gnomAD); In silico analysis indicates that this missense variant does not alter protein structure/function